The following is an entry in ClinVar:

ClinVar aggregate classification (germline): Uncertain significance (1 of 4 stars; one submission).

Submission:

Women's Health and Genetics/Laboratory Corporation of America, LabCorp
Classification: Uncertain significance. Last evaluated: 2019-03-13. Review status: criteria provided, single submitter. Criteria: LabCorp Variant Classification Summary - May 2015. Collection method: clinical testing. Allele origin: germline.
Comment: Variant summary: UBR1 c.3492C>G (p.His1164Gln) results in a non-conservative amino acid change in the encoded protein sequence. Five of five in-silico tools predict a damaging effect of the variant on protein function. The variant was absent in 277120 control chromosomes (gnomAD). The available data on variant occurrences in the general population are insufficient to allow any conclusion about variant significance. To our knowledge, no occurrence of c.3492C>G in individuals affected with Johanson-Blizzard syndrome and no experimental evidence demonstrating its impact on protein function have been reported. No clinical diagnostic laboratories have submitted clinical-significance assessments for this variant to ClinVar after 2014. Based on the evidence outlined above, the variant was classified as uncertain significance.

NM_174916.3(UBR1):c.3492C>G (p.His1164Gln)

Gene: UBR1 (ubiquitin protein ligase E3 component n-recognin 1; minus strand). Cytogenetic location: 15q15.2.
Variant type: single nucleotide variant.
Coding change: c.3492C>G on transcript NM_174916.3 (MANE Select); coding-DNA position 3492, C replaced by G.
Protein change: p.His1164Gln; replaces histidine 1164 with glutamine.
Molecular consequence: missense variant.
Genome position (GRCh38, 1-based): chr15:43,003,854, G>C on the plus strand (C>G on the coding strand, the complement: UBR1 is on the minus strand). VCF-style: chr15-43003854-G-C. GRCh37 (hg19) VCF-style: chr15-43296052-G-C.
Other names: short protein forms H1164Q.
Identifiers: ClinVar variation 929054 (VCV000929054.1), dbSNP rs34803922, ClinGen allele CA392057139.